The following is an entry in ClinVar:

ClinVar aggregate classification (germline): Uncertain significance. Review status: criteria provided, multiple submitters, no conflicts (2 of 4 stars). 2 submissions from 2 submitters: Uncertain significance (2). Last evaluated 2025-12-16.

Allele frequency attached by ClinVar (database versions not stated): ExAC 0.00003; TOPMed 0.00025; gnomAD 0.00011.

Submissions (2):

Labcorp Genetics (formerly Invitae), Labcorp
Classification: Uncertain significance. Last evaluated: 2025-12-16. Review status: criteria provided, single submitter. Criteria: Invitae Variant Classification Sherloc (09022015). Collection method: clinical testing. Allele origin: germline.
Comment: This sequence change replaces arginine, which is basic and polar, with histidine, which is basic and polar, at codon 163 of the ELP4 protein (p.Arg163His). The frequency data for this variant in the population databases is considered unreliable, as metrics indicate poor data quality at this position in the gnomAD database. This variant has not been reported in the literature in individuals affected with ELP4-related conditions. ClinVar contains an entry for this variant (Variation ID: 2517420). An algorithm developed to predict the effect of missense changes on protein structure and function (PolyPhen-2) suggests that this variant is likely to be disruptive. In summary, the available evidence is currently insufficient to determine the role of this variant in disease. Therefore, it has been classified as a Variant of Uncertain Significance.

Ambry Genetics
Classification: Uncertain significance. Last evaluated: 2025-06-07. Review status: criteria provided, single submitter. Criteria: Ambry Variant Classification Scheme 2023. Collection method: clinical testing. Allele origin: germline.

NM_019040.5(ELP4):c.488G>A (p.Arg163His)

Gene: ELP4 (elongator acetyltransferase complex subunit 4; plus strand). Cytogenetic location: 11p13.
Variant type: single nucleotide variant.
Coding change: c.488G>A on transcript NM_019040.5 (MANE Select); coding-DNA position 488, G replaced by A.
Protein change: p.Arg163His; replaces arginine 163 with histidine.
Molecular consequence: missense variant.
Genome position (GRCh38, 1-based): chr11:31,594,876, G>A. VCF-style: chr11-31594876-G-A. GRCh37 (hg19) VCF-style: chr11-31616423-G-A.
Other names: c.488G>A, p.Arg163His (NM_001288725.2, NM_001288726.2); short protein forms R163H.
Identifiers: ClinVar variation 2517420 (VCV002517420.6), dbSNP rs199901084, ClinGen allele CA5933265.